The following is an entry in ClinVar:

ClinVar aggregate classification (germline): Uncertain significance. Review status: criteria provided, multiple submitters, no conflicts (2 of 4 stars). 3 submissions from 3 submitters: Uncertain significance (3). Last evaluated 2024-03-04.

Conditions:
Cardiovascular phenotype. Identifiers: MedGen CN230736.
Hypertrophic cardiomyopathy. Also called: HYPERTROPHIC MYOCARDIOPATHY. Identifiers: Orphanet 217569, MedGen C0007194, MeSH D002312, MONDO:0005045, HP:0001639.

Allele frequency attached by ClinVar (database versions not stated): gnomAD exomes below 0.00001.
gnomAD v4.1: 2 of 1,614,052 alleles (0.00012%); highest among the groups gnomAD compares: Non-Finnish European, 0.00017%; no homozygotes.

Submissions (3):

Ambry Genetics
Classification: Uncertain significance for Cardiovascular phenotype. Last evaluated: 2024-03-04. Review status: criteria provided, single submitter. Criteria: Ambry Variant Classification Scheme 2023. Collection method: clinical testing. Allele origin: germline.
Comment: The p.D78V variant (also known as c.233A>T), located in coding exon 3 of the MYL3 gene, results from an A to T substitution at nucleotide position 233. The aspartic acid at codon 78 is replaced by valine, an amino acid with highly dissimilar properties. This amino acid position is conserved. In addition, this alteration is predicted to be deleterious by in silico analysis. Based on the available evidence, the clinical significance of this alteration remains unclear.

All of Us Research Program, National Institutes of Health
Classification: Uncertain significance for Hypertrophic cardiomyopathy. Last evaluated: 2023-05-08. Review status: criteria provided, single submitter. Criteria: ACMG Guidelines, 2015. Collection method: clinical testing. Allele origin: germline. Inheritance: Autosomal dominant inheritance. Observed: 1 variant allele, 1 heterozygote.
Comment: This study involves interpretation of variants in research participants for the purpose of population health screening. Participant phenotype was not available at the time of variant classification. Additional details can be found in publication PMID: 35346344, PMCID: PMC8962531

Labcorp Genetics (formerly Invitae), Labcorp
Classification: Uncertain significance for Hypertrophic cardiomyopathy. Last evaluated: 2023-05-05. Review status: criteria provided, single submitter. Criteria: Invitae Variant Classification Sherloc (09022015). Collection method: clinical testing. Allele origin: germline.
Comment: In summary, the available evidence is currently insufficient to determine the role of this variant in disease. Therefore, it has been classified as a Variant of Uncertain Significance. An algorithm developed to predict the effect of missense changes on protein structure and function (PolyPhen-2) suggests that this variant is likely to be disruptive. This variant has not been reported in the literature in individuals affected with MYL3-related conditions. This variant is not present in population databases (gnomAD no frequency). This sequence change replaces aspartic acid, which is acidic and polar, with valine, which is neutral and non-polar, at codon 78 of the MYL3 protein (p.Asp78Val).

NM_000258.3(MYL3):c.233A>T (p.Asp78Val)

Gene: MYL3 (myosin light chain 3; minus strand). Cytogenetic location: 3p21.31.
Variant type: single nucleotide variant.
Coding change: c.233A>T on transcript NM_000258.3 (MANE Select); coding-DNA position 233, A replaced by T.
Protein change: p.Asp78Val; replaces aspartic acid 78 with valine.
Molecular consequence: missense variant.
Genome position (GRCh38, 1-based): chr3:46,860,750, T>A on the plus strand (A>T on the coding strand, the complement: MYL3 is on the minus strand). VCF-style: chr3-46860750-T-A. GRCh37 (hg19) VCF-style: chr3-46902240-T-A.
Other names: c.233A>T, p.Asp78Val (NM_001406937.1, NM_001406938.1, NM_001406939.1); c.59A>T, p.Asp20Val (NM_001406940.1, NM_001406941.1); short protein forms D78V, D20V.
Identifiers: ClinVar variation 2884678 (VCV002884678.5), dbSNP rs2544967115, ClinGen allele CA352498237.